The following is an entry in ClinVar:

ClinVar aggregate classification (germline): Pathogenic. Review status: criteria provided, multiple submitters, no conflicts (2 of 4 stars). 2 submissions from 2 submitters: Pathogenic (2). Last evaluated 2023-08-01.

Conditions:
Hereditary spastic paraplegia 4. Also called: Spastic paraplegia 4, autosomal dominant; Spastic Paraplegia 4; Familial spastic paraplegia autosomal dominant 2. Identifiers: Orphanet 100985, MedGen C1866855, MONDO:0008438, OMIM 182601.

Allele frequency attached by ClinVar (database versions not stated): gnomAD exomes below 0.00001.
gnomAD v4.1: 1 of 1,602,426 alleles (0.000062%); highest among the groups gnomAD compares: Admixed American, 0.0017%; no homozygotes.

Submissions (2):

3billion
Classification: Pathogenic for Hereditary spastic paraplegia 4. Last evaluated: 2023-08-01. Review status: criteria provided, single submitter. Criteria: ACMG Guidelines, 2015. Collection method: clinical testing. Allele origin: germline. Affected: yes.
Comment: The variant is not observed in the gnomAD v2.1.1 dataset. Predicted Consequence/Location: Canonical splice site: predicted to alter splicing and result in a loss or disruption of normal protein function. Multiple pathogenic loss-of-function variants are reported downstream of the variant. The variant has been reported to be associated with SPAST related disorder (ClinVar ID: VCV001455556). Therefore, this variant is classified as Pathogenic according to the recommendation of ACMG/AMP guideline.

Labcorp Genetics (formerly Invitae), Labcorp
Classification: Pathogenic for Hereditary spastic paraplegia 4. Last evaluated: 2023-02-21. Review status: criteria provided, single submitter. Criteria: Invitae Variant Classification Sherloc (09022015). Collection method: clinical testing. Allele origin: germline.
Comment: For these reasons, this variant has been classified as Pathogenic. Studies have shown that disruption of this splice site results in skipping of exon 13 and introduces a premature termination codon (PMID: 11309678). The resulting mRNA is expected to undergo nonsense-mediated decay. ClinVar contains an entry for this variant (Variation ID: 1455556). Disruption of this splice site has been observed in individuals with hereditary spastic paraplegia (PMID: 11309678, 20932283). This variant is not present in population databases (gnomAD no frequency). This sequence change affects an acceptor splice site in intron 12 of the SPAST gene. RNA analysis indicates that disruption of this splice site induces altered splicing and may result in an absent or disrupted protein product.

Literature cited by the submitters: PubMed 11309678 (cited by Labcorp Genetics (formerly Invitae), Labcorp); PubMed 20932283 (cited by Labcorp Genetics (formerly Invitae), Labcorp).

NM_014946.4(SPAST):c.1494-2A>T

Gene: SPAST (spastin; plus strand). Cytogenetic location: 2p22.3.
Variant type: single nucleotide variant.
Coding change: c.1494-2A>T on transcript NM_014946.4 (MANE Select); the canonical splice acceptor site of the intron before coding-DNA position 1494, A replaced by T.
Molecular consequence: splice acceptor variant.
Genome position (GRCh38, 1-based): chr2:32,141,902, A>T. VCF-style: chr2-32141902-A-T. GRCh37 (hg19) VCF-style: chr2-32366971-A-T.
Other names: c.1398-2A>T (NM_199436.2, NM_001377959.1); c.1491-2A>T (NM_001363823.2); c.1395-2A>T (NM_001363875.2).
Identifiers: ClinVar variation 1455556 (VCV001455556.9), dbSNP rs1218081251, ClinGen allele CA346502807.